The following is an entry in ClinVar:

NM_005751.5(AKAP9):c.406-5T>C

Gene: AKAP9 (A-kinase anchoring protein 9; plus strand). Cytogenetic location: 7q21.2.
Variant type: single nucleotide variant.
Coding change: c.406-5T>C on transcript NM_005751.5 (MANE Select); 5 bases into the intron before coding-DNA position 406, T replaced by C.
Molecular consequence: intron variant.
Genome position (GRCh38, 1-based): chr7:91,992,880, T>C. VCF-style: chr7-91992880-T-C. GRCh37 (hg19) VCF-style: chr7-91622194-T-C.
Other names: c.406-5T>C (NM_147185.3).
Identifiers: ClinVar variation 1737503 (VCV001737503.2), dbSNP rs1336655717, ClinGen allele CA843817825.
Genomic context (GRCh38, chr7:91,992,880, plus strand): 5'-TTTGAATCTCTCTCCCTAAGGAATATTGCTAATACTGAATTCTTTAAAATCTTGGATTGA[T>C]TTAGGAAGAAGAATTTGGTGTTGATGATTCTTATTCTGAACAAGGAGCACAAGACAGTCC-3'

ClinVar aggregate classification (germline): Uncertain significance (1 of 4 stars; one submission).

Conditions:
Cardiovascular phenotype. Identifiers: MedGen CN230736.

Submission:

Ambry Genetics
Classification: Uncertain significance for Cardiovascular phenotype. Last evaluated: 2019-08-28. Review status: criteria provided, single submitter. Criteria: Ambry Variant Classification Scheme 2023. Collection method: clinical testing. Allele origin: germline.
Comment: The c.406-5T>C intronic variant results from a T to C substitution 5 nucleotides upstream from coding exon 5 in the AKAP9 gene. This nucleotide position is well conserved in available vertebrate species. Using the Human Splicing Finder (HSF) splice site prediction tool, this alteration is predicted to weaken the native splice acceptor site; however, direct evidence is unavailable (Desmet FO et al. Nucleic Acids Res. 2009 May;37:e67). Since supporting evidence is limited at this time, the clinical significance of this alteration remains unclear.